The following is an entry in ClinVar:

ClinVar aggregate classification (germline): Uncertain significance. Review status: criteria provided, multiple submitters, no conflicts (2 of 4 stars). 2 submissions from 2 submitters: Uncertain significance (2). Last evaluated 2025-08-07.

Conditions:
Inborn genetic diseases. Identifiers: MedGen C0950123, MeSH D030342.

Allele frequency attached by ClinVar (database versions not stated): TOPMed 0.00001; gnomAD exomes 0.00001.
gnomAD v4.1: 12 of 1,614,190 alleles (0.00074%); highest among the groups gnomAD compares: African/African-American, 0.0013%; no homozygotes.

Submissions (2):

Labcorp Genetics (formerly Invitae), Labcorp
Classification: Uncertain significance. Last evaluated: 2025-08-07. Review status: criteria provided, single submitter. Criteria: Invitae Variant Classification Sherloc (09022015). Collection method: clinical testing. Allele origin: germline.
Comment: This sequence change replaces histidine, which is basic and polar, with tyrosine, which is neutral and polar, at codon 273 of the MECOM protein (p.His273Tyr). This variant is not present in population databases (gnomAD no frequency). This variant has not been reported in the literature in individuals affected with MECOM-related conditions. ClinVar contains an entry for this variant (Variation ID: 2307571). An algorithm developed to predict the effect of missense changes on protein structure and function (PolyPhen-2) suggests that this variant is likely to be disruptive. In summary, the available evidence is currently insufficient to determine the role of this variant in disease. Therefore, it has been classified as a Variant of Uncertain Significance.

Ambry Genetics
Classification: Uncertain significance for Inborn genetic diseases. Last evaluated: 2025-02-22. Review status: criteria provided, single submitter. Criteria: Ambry Variant Classification Scheme 2023. Collection method: clinical testing. Allele origin: germline.
Comment: The p.H461Y variant (also known as c.1381C>T), located in coding exon 8 of the MECOM gene, results from a C to T substitution at nucleotide position 1381. The histidine at codon 461 is replaced by tyrosine, an amino acid with similar properties. This amino acid position is conserved. In addition, the in silico prediction for this alteration is inconclusive. Based on the available evidence, the clinical significance of this variant remains unclear.

NM_004991.4(MECOM):c.1381C>T (p.His461Tyr)

Gene: MECOM (MDS1 and EVI1 complex locus; minus strand). Cytogenetic location: 3q26.2.
Variant type: single nucleotide variant.
Coding change: c.1381C>T on transcript NM_004991.4 (MANE Select); coding-DNA position 1381, C replaced by T.
Protein change: p.His461Tyr; replaces histidine 461 with tyrosine.
Molecular consequence: missense variant. On other transcripts: intron variant (2).
Genome position (GRCh38, 1-based): chr3:169,116,491, G>A on the plus strand (C>T on the coding strand, the complement: MECOM is on the minus strand). VCF-style: chr3-169116491-G-A. GRCh37 (hg19) VCF-style: chr3-168834279-G-A.
Other names: c.1012C>T, p.His338Tyr (NM_001105077.4); c.817C>T, p.His273Tyr (NM_001105078.4, NM_001164000.2, NM_001205194.2 and 4 more transcripts); c.820C>T, p.His274Tyr (NM_001163999.2, NM_001366467.2, NM_001366468.2 and 1 more transcripts); c.1381C>T, p.His461Tyr (NM_001366466.2); c.1133-724C>T (NM_001366473.2); c.569-724C>T (NM_001366474.2); short protein forms H273Y, H274Y, H338Y, H461Y.
Identifiers: ClinVar variation 2307571 (VCV002307571.5), dbSNP rs1443149814, ClinGen allele CA355062613.
Genomic context (GRCh38, chr3:169,116,491, plus strand): 5'-AGGTAAGACCAGCAGGATGCCTATTGGCGCCAAAATAGTCAGCAAGGCCCGGGTTGGCAT[G>A]ACTCATATTAACCATGGACGTTTTATCCATAGCTGGGGTTCCAGGAAGTGAAATGCCTTG-3'
Protein context (NP_004982.2, residues 451-471): MDKTSMVNMS[His461Tyr]ANPGLADYFG